The following is an entry in ClinVar:

ClinVar aggregate classification (germline): Uncertain significance (1 of 4 stars; one submission).

Conditions:
Hereditary cancer-predisposing syndrome. Also called: Tumor predisposition; Neoplastic Syndromes, Hereditary; Hereditary neoplastic syndrome; Hereditary Cancer Syndrome. Identifiers: Orphanet 140162, MedGen C0027672, MeSH D009386, MONDO:0015356.

Submission:

Ambry Genetics
Classification: Uncertain significance for Hereditary cancer-predisposing syndrome. Last evaluated: 2025-08-27. Review status: criteria provided, single submitter. Criteria: Ambry Variant Classification Scheme 2023. Collection method: clinical testing. Allele origin: germline.
Comment: The p.E413D variant (also known as c.1239G>T), located in coding exon 13 of the MUTYH gene, results from a G to T substitution at nucleotide position 1239. The glutamic acid at codon 413 is replaced by aspartic acid, an amino acid with highly similar properties. This amino acid position is conserved. In addition, this alteration is predicted to be tolerated by in silico analysis. Based on the available evidence, the clinical significance of this variant remains unclear.

NM_001048174.2(MUTYH):c.1155G>T (p.Glu385Asp)

Gene: MUTYH (mutY DNA glycosylase; minus strand). Cytogenetic location: 1p34.1.
Variant type: single nucleotide variant.
Coding change: c.1155G>T on transcript NM_001048174.2 (MANE Select); coding-DNA position 1155, G replaced by T.
Protein change: p.Glu385Asp; replaces glutamic acid 385 with aspartic acid.
Molecular consequence: missense variant. On other transcripts: non-coding transcript variant (7).
Genome position (GRCh38, 1-based): chr1:45,331,504, C>A on the plus strand (G>T on the coding strand, the complement: MUTYH is on the minus strand). VCF-style: chr1-45331504-C-A. GRCh37 (hg19) VCF-style: chr1-45797176-C-A.
Other names: c.1155G>T, p.Glu385Asp (NM_001048171.2, NM_001048173.2, NM_001293195.2 and 6 more transcripts); c.1158G>T, p.Glu386Asp (NM_001048172.2, NM_001407071.1, NM_001407078.1 and 1 more transcripts); c.1239G>T, p.Glu413Asp (NM_001128425.2); c.1200G>T, p.Glu400Asp (NM_001293190.2); c.1188G>T, p.Glu396Asp (NM_001293191.2, NM_001407069.1, NM_001407077.1); c.879G>T, p.Glu293Asp (NM_001293192.2, NM_001293196.2, NM_001407091.1); c.810G>T, p.Glu270Asp (NM_001350650.2, NM_001350651.2, NM_001407082.1); c.1071G>T, p.Glu357Asp (NM_001407075.1); and 5 more; short protein forms E410D, E357D, E386D, E396D, E413D, E293D, E371D, E385D.
Identifiers: ClinVar variation 4113118 (VCV004113118.1).